The following is an entry in ClinVar:

NM_001035.3(RYR2):c.7150A>G (p.Met2384Val)

Gene: RYR2 (ryanodine receptor 2; plus strand). Cytogenetic location: 1q43.
Variant type: single nucleotide variant.
Coding change: c.7150A>G on transcript NM_001035.3 (MANE Select); coding-DNA position 7150, A replaced by G.
Protein change: p.Met2384Val; replaces methionine 2384 with valine.
Molecular consequence: missense variant.
Genome position (GRCh38, 1-based): chr1:237,640,931, A>G. VCF-style: chr1-237640931-A-G. GRCh37 (hg19) VCF-style: chr1-237804231-A-G.
Other names: short protein forms M2384V.
Identifiers: ClinVar variation 1757397 (VCV001757397.2), dbSNP rs2546974829, ClinGen allele CA075485.

ClinVar aggregate classification (germline): Uncertain significance (1 of 4 stars; one submission).

Conditions:
Cardiovascular phenotype. Identifiers: MedGen CN230736.

gnomAD v4.1: 1 of 1,613,648 alleles (0.000062%); no homozygotes.

Submission:

Ambry Genetics
Classification: Uncertain significance for Cardiovascular phenotype. Last evaluated: 2022-09-27. Review status: criteria provided, single submitter. Criteria: Ambry Variant Classification Scheme 2023. Collection method: clinical testing. Allele origin: germline.
Comment: The p.M2384V variant (also known as c.7150A>G), located in coding exon 47 of the RYR2 gene, results from an A to G substitution at nucleotide position 7150. The methionine at codon 2384 is replaced by valine, an amino acid with highly similar properties. This amino acid position is well conserved in available vertebrate species. In addition, this alteration is predicted to be deleterious by in silico analysis. Since supporting evidence is limited at this time, the clinical significance of this alteration remains unclear.